The following is an entry in ClinVar:

ClinVar aggregate classification (germline): Uncertain significance (1 of 4 stars; one submission).

Conditions:
POLD1-related polyposis and colorectal cancer syndrome (CRCS10). Also called: Colorectal cancer 10; COLORECTAL CANCER, SUSCEPTIBILITY TO, ON CHROMOSOME 19q; Colorectal cancer, susceptibility to, 10. Identifiers: Orphanet 220460, MedGen C2675481, MONDO:0012953, OMIM 612591.

Allele frequency attached by ClinVar (database versions not stated): gnomAD exomes below 0.00001.
gnomAD v4.1: 1 of 1,613,546 alleles (0.000062%); highest among the groups gnomAD compares: South Asian, 0.0011%; no homozygotes.

Submission:

Labcorp Genetics (formerly Invitae), Labcorp
Classification: Uncertain significance for POLD1-related polyposis and colorectal cancer syndrome. Last evaluated: 2023-06-07. Review status: criteria provided, single submitter. Criteria: Invitae Variant Classification Sherloc (09022015). Collection method: clinical testing. Allele origin: germline.
Comment: Algorithms developed to predict the effect of sequence changes on RNA splicing suggest that this variant may create or strengthen a splice site. In summary, the available evidence is currently insufficient to determine the role of this variant in disease. Therefore, it has been classified as a Variant of Uncertain Significance. This variant has not been reported in the literature in individuals affected with POLD1-related conditions. This variant is not present in population databases (gnomAD no frequency). This sequence change falls in intron 14 of the POLD1 gene. It does not directly change the encoded amino acid sequence of the POLD1 protein.

NM_002691.4(POLD1):c.1776-10C>A

Gene: POLD1 (DNA polymerase delta 1, catalytic subunit; plus strand). Cytogenetic location: 19q13.33.
Variant type: single nucleotide variant.
Coding change: c.1776-10C>A on transcript NM_002691.4 (MANE Select); 10 bases into the intron before coding-DNA position 1776, C replaced by A.
Molecular consequence: intron variant. On other transcripts: missense variant (1).
Genome position (GRCh38, 1-based): chr19:50,408,775, C>A. VCF-style: chr19-50408775-C-A. GRCh37 (hg19) VCF-style: chr19-50912032-C-A.
Other names: c.1844C>A, p.Ser615Tyr (NM_001308632.1); c.1776-10C>A (NM_001256849.1); short protein forms S615Y.
Identifiers: ClinVar variation 2970132 (VCV002970132.3), dbSNP rs2122365375, ClinGen allele CA406981910.